The following is an entry in ClinVar:

NM_016035.5(COQ4):c.613C>T (p.Arg205Ter)

Gene: COQ4 (coenzyme Q4; plus strand). Cytogenetic location: 9q34.11.
Variant type: single nucleotide variant.
Coding change: c.613C>T on transcript NM_016035.5 (MANE Select); coding-DNA position 613, C replaced by T.
Protein change: p.Arg205Ter; replaces arginine 205 with a stop codon.
Molecular consequence: nonsense. On other transcripts: intron variant (1).
Genome position (GRCh38, 1-based): chr9:128,332,930, C>T. VCF-style: chr9-128332930-C-T. GRCh37 (hg19) VCF-style: chr9-131095209-C-T.
Other names: c.*3-544C>T (NM_001305942.2); short protein forms R205*.
Identifiers: ClinVar variation 2158634 (VCV002158634.5), dbSNP rs776074348, ClinGen allele CA375023820.

ClinVar aggregate classification (germline): Pathogenic/Likely pathogenic. Review status: criteria provided, multiple submitters, no conflicts (2 of 4 stars). 2 submissions from 2 submitters: Pathogenic (1); Likely pathogenic (1). Last evaluated 2025-07-28.

Conditions:
Neonatal encephalomyopathy-cardiomyopathy-respiratory distress syndrome. Also called: Coenzyme Q10 deficiency, primary, 7. Identifiers: Orphanet 457185, MedGen C5568562, MONDO:0014562, OMIM 616276.
Spastic ataxia 10, autosomal recessive (SPAX10). Identifiers: MedGen C5882738, MONDO:0958009, OMIM 620666.

Allele frequency attached by ClinVar (database versions not stated): gnomAD 0.00001; TOPMed 0.00001.

Submissions (2):

Labcorp Genetics (formerly Invitae), Labcorp
Classification: Pathogenic for Neonatal encephalomyopathy-cardiomyopathy-respiratory distress syndrome. Last evaluated: 2025-07-28. Review status: criteria provided, single submitter. Criteria: Invitae Variant Classification Sherloc (09022015). Collection method: clinical testing. Allele origin: germline.
Comment: This sequence change creates a premature translational stop signal (p.Arg205*) in the COQ4 gene. While this is not anticipated to result in nonsense mediated decay, it is expected to disrupt the last 61 amino acid(s) of the COQ4 protein. This variant is present in population databases (no rsID available, gnomAD 0.002%). This variant has not been reported in the literature in individuals affected with COQ4-related conditions. ClinVar contains an entry for this variant (Variation ID: 2158634). This variant disrupts a region of the COQ4 protein in which other variant(s) (p.Arg240Cys) have been determined to be pathogenic (PMID: 25658047, 26185144, 33704555). This suggests that this is a clinically significant region of the protein, and that variants that disrupt it are likely to be disease-causing. For these reasons, this variant has been classified as Pathogenic.

Fulgent Genetics
Classification: Likely pathogenic for Neonatal encephalomyopathy-cardiomyopathy-respiratory distress syndrome; Spastic ataxia 10, autosomal recessive. Last evaluated: 2024-06-01. Review status: criteria provided, single submitter. Criteria: ACMG Guidelines, 2015. Collection method: clinical testing. Allele origin: germline.

Literature cited by the submitters: PubMed 25658047 (cited by Labcorp Genetics (formerly Invitae), Labcorp); PubMed 26185144 (cited by Labcorp Genetics (formerly Invitae), Labcorp); PubMed 33704555 (cited by Labcorp Genetics (formerly Invitae), Labcorp).